The following is an entry in ClinVar:

NM_000368.5(TSC1):c.276dup (p.Leu93fs)

Gene: TSC1 (TSC complex subunit 1; minus strand). Cytogenetic location: 9q34.13.
Variant type: Duplication.
Coding change: c.276dup on transcript NM_000368.5 (MANE Select); coding-DNA position 276, one base duplicated (A; older notation c.276dupA).
Protein change: p.Leu93fs; shifts the reading frame from leucine 93.
Molecular consequence: frameshift variant. On other transcripts: 5 prime UTR variant (1), intron variant (1).
Genome position (GRCh38, 1-based): chr9:132,925,674, T duplicated on the plus strand (A on the coding strand, the reverse complement: TSC1 is on the minus strand). VCF-style (leftmost placement, unchanged base first): chr9-132925673-G-GT. GRCh37 (hg19) VCF-style: chr9-135801060-G-GT.
Other names: c.276dupA (NM_000368.4); c.276dup, p.Leu93fs (NM_001162426.2); c.-88dup (NM_001362177.2); c.210+1527dup (NM_001162427.2); short protein forms L93fs.
Identifiers: ClinVar variation 48998 (VCV000048998.3), dbSNP rs118203362, ClinGen allele CA262319.

ClinVar aggregate classification (germline): Pathogenic. Review status: criteria provided, multiple submitters, no conflicts (2 of 4 stars). 3 submissions from 3 submitters: Pathogenic (2). 1 of the submissions does not count toward it. Last evaluated 2025-11-26.

Conditions:
TSC1-related disorder. Also called: TSC1-related condition.
Tuberous sclerosis syndrome (TSC). Also called: Tuberous Sclerosis Complex; Tuberous sclerosis. Identifiers: Orphanet 805, MedGen C0041341, MONDO:0001734.
Tuberous sclerosis 1 (TSC1). Identifiers: Orphanet 805, MedGen C1854465, MONDO:0008612, OMIM 191100.

Submissions (3):

PreventionGenetics, part of Exact Sciences
Classification: Pathogenic for TSC1-related condition. Last evaluated: 2025-11-26. Review status: criteria provided, single submitter. Criteria: ACMG Guidelines, 2015. Collection method: clinical testing. Allele origin: germline.
Comment: The TSC1 c.276dupA variant is predicted to result in a frameshift and premature protein termination (p.Leu93Thrfs*14). This variant has been reported in an individual with tuberous sclerosis (Table S1, Au et al. 2007. PubMed ID: 17304050). This variant has not been reported in a large population database (gnomAD), indicating this variant is rare. This variant is interpreted as pathogenic in ClinVar (Variation ID: 48998). Frameshift variants in TSC1 are expected to be pathogenic. This variant is interpreted as pathogenic.

Center for Human Genetics, Inc
Classification: Pathogenic for Tuberous sclerosis 1. Last evaluated: 2016-11-01. Review status: criteria provided, single submitter. Criteria: ACMG Guidelines, 2015. Collection method: clinical testing. Allele origin: germline. Affected: yes.

Tuberous sclerosis database (TSC1)
No classification provided. Condition: TSC. Review status: no classification provided. Criteria: Tuberous Sclerosis Database Assertion Criteria 2015. Collection method: curation. Allele origin: germline. Affected: yes. Not counted in ClinVar's aggregate classification.